The following is an entry in ClinVar:

ClinVar aggregate classification (germline): Uncertain significance (1 of 4 stars; one submission).

Conditions:
Bardet-Biedl syndrome (BBS). Identifiers: Orphanet 110, MedGen C0752166, MONDO:0015229.

Allele frequency attached by ClinVar (database versions not stated): gnomAD exomes below 0.00001.
gnomAD v4.1: 3 of 1,614,122 alleles (0.00019%); highest among the groups gnomAD compares: Non-Finnish European, 0.000085%; no homozygotes.

Submission:

Labcorp Genetics (formerly Invitae), Labcorp
Classification: Uncertain significance for Bardet-Biedl syndrome. Last evaluated: 2022-04-26. Review status: criteria provided, single submitter. Criteria: Invitae Variant Classification Sherloc (09022015). Collection method: clinical testing. Allele origin: germline.
Comment: This sequence change replaces isoleucine, which is neutral and non-polar, with serine, which is neutral and polar, at codon 177 of the BBS4 protein (p.Ile177Ser). This variant is present in population databases (no rsID available, gnomAD 0.0009%). This variant has not been reported in the literature in individuals affected with BBS4-related conditions. Algorithms developed to predict the effect of missense changes on protein structure and function are either unavailable or do not agree on the potential impact of this missense change (SIFT: "Deleterious"; PolyPhen-2: "Benign"; Align-GVGD: "Class C0"). In summary, the available evidence is currently insufficient to determine the role of this variant in disease. Therefore, it has been classified as a Variant of Uncertain Significance.

NM_033028.5(BBS4):c.530T>G (p.Ile177Ser)

Gene: BBS4 (Bardet-Biedl syndrome 4; plus strand). Cytogenetic location: 15q24.1.
Variant type: single nucleotide variant.
Coding change: c.530T>G on transcript NM_033028.5 (MANE Select); coding-DNA position 530, T replaced by G.
Protein change: p.Ile177Ser; replaces isoleucine 177 with serine.
Molecular consequence: missense variant. On other transcripts: non-coding transcript variant (2).
Genome position (GRCh38, 1-based): chr15:72,724,598, T>G. VCF-style: chr15-72724598-T-G. GRCh37 (hg19) VCF-style: chr15-73016939-T-G.
Other names: c.14T>G, p.Ile5Ser (NM_001252678.2); c.530T>G, p.Ile177Ser (NM_001320665.2); short protein forms I177S, I5S.
Identifiers: ClinVar variation 1487437 (VCV001487437.5), dbSNP rs1341828921, ClinGen allele CA393076527.